The following is an entry in ClinVar:

ClinVar aggregate classification (germline): Uncertain significance. Review status: criteria provided, multiple submitters, no conflicts (2 of 4 stars). 2 submissions from 2 submitters: Uncertain significance (2). Last evaluated 2024-05-23.

Conditions:
Fanconi anemia (FA). Also called: Fanconi's anemia. Identifiers: Orphanet 84, MedGen C0015625, MeSH D005199, MONDO:0019391.
Hereditary cancer-predisposing syndrome. Also called: Tumor predisposition; Hereditary neoplastic syndrome; Neoplastic Syndromes, Hereditary; Hereditary Cancer Syndrome. Identifiers: Orphanet 140162, MedGen C0027672, MeSH D009386, MONDO:0015356.

gnomAD v4.1: 1 of 1,613,576 alleles (0.000062%); highest among the groups gnomAD compares: Non-Finnish European, 0.000085%; no homozygotes.

Submissions (2):

Labcorp Genetics (formerly Invitae), Labcorp
Classification: Uncertain significance for Fanconi anemia. Last evaluated: 2024-05-23. Review status: criteria provided, single submitter. Criteria: Invitae Variant Classification Sherloc (09022015). Collection method: clinical testing. Allele origin: germline.
Comment: This sequence change falls in intron 8 of the FANCC gene. It does not directly change the encoded amino acid sequence of the FANCC protein. It affects a nucleotide within the consensus splice site. This variant is not present in population databases (gnomAD no frequency). This variant has not been reported in the literature in individuals affected with FANCC-related conditions. ClinVar contains an entry for this variant (Variation ID: 1009908). Variants that disrupt the consensus splice site are a relatively common cause of aberrant splicing (PMID: 17576681, 9536098). Algorithms developed to predict the effect of sequence changes on RNA splicing suggest that this variant may disrupt the consensus splice site. In summary, the available evidence is currently insufficient to determine the role of this variant in disease. Therefore, it has been classified as a Variant of Uncertain Significance.

Ambry Genetics
Classification: Uncertain significance for Hereditary cancer-predisposing syndrome. Last evaluated: 2024-02-01. Review status: criteria provided, single submitter. Criteria: Ambry Variant Classification Scheme 2023. Collection method: clinical testing. Allele origin: germline.
Comment: The c.843+5G>T intronic variant results from a G to T substitution 5 nucleotides after coding exon 7 in the FANCC gene. This nucleotide position is highly conserved in available vertebrate species. In silico splice site analysis predicts that this alteration will weaken the native splice donor site; however, direct evidence is insufficient at this time (Ambry internal data). Since supporting evidence is limited at this time, the clinical significance of this alteration remains unclear.

Literature cited by the submitters: PubMed 17576681 (cited by Labcorp Genetics (formerly Invitae), Labcorp); PubMed 9536098 (cited by Labcorp Genetics (formerly Invitae), Labcorp).

NM_000136.3(FANCC):c.843+5G>T

Genes: AOPEP (aminopeptidase O (putative); plus strand), FANCC (FA complementation group C; minus strand). Cytogenetic location: 9q22.32.
Variant type: single nucleotide variant.
Coding change: c.843+5G>T on transcript NM_000136.3 (MANE Select); 5 bases into the intron after coding-DNA position 843, G replaced by T.
Molecular consequence: intron variant.
Genome position (GRCh38, 1-based): chr9:95,135,341, C>A on the plus strand (G>T on the coding strand, the complement: FANCC is on the minus strand). VCF-style: chr9-95135341-C-A. GRCh37 (hg19) VCF-style: chr9-97897623-C-A.
Other names: c.843+5G>T (NM_001243743.2, NM_001243744.2).
Identifiers: ClinVar variation 1009908 (VCV001009908.8), dbSNP rs369082921, ClinGen allele CA1139770593.
Genomic context (GRCh38, chr9:95,135,341, plus strand): 5'-CTAAAAGAAATGATTCCAAGCATCTCCTTCAAGGATTTTTCCCTTCATCAAAACCCAGTA[C>A]GTACCAGCGATGAATCTTTTATAAAGCATTCGATCCTTCTCAGACAATTTCTCTCACTGG-3'